The following is an entry in ClinVar:

NM_000329.3(RPE65):c.639dup (p.Ala214fs)

Gene: RPE65 (retinoid isomerohydrolase RPE65; minus strand). Cytogenetic location: 1p31.3.
Variant type: Duplication.
Coding change: c.639dup on transcript NM_000329.3 (MANE Select); coding-DNA position 639, one base duplicated (A; older notation c.639dupA).
Protein change: p.Ala214fs; shifts the reading frame from alanine 214.
Molecular consequence: frameshift variant.
Genome position (GRCh38, 1-based): chr1:68,440,857, T duplicated on the plus strand (A on the coding strand, the reverse complement: RPE65 is on the minus strand); the first of 2 consecutive T bases (chr1:68,440,857-68,440,858); duplicating either gives the same sequence. VCF-style (leftmost placement, unchanged base first): chr1-68440856-C-CT. GRCh37 (hg19) VCF-style: chr1-68906539-C-CT.
Other names: NM_000329.3:c.639dup; c.363dup, p.Ala122fs (NM_001406856.1, NM_001406857.1); c.639dup, p.Ala214fs (NM_001406859.1); c.531dup, p.Ala178fs (NM_001406853.1); short protein forms A122fs, A178fs, A214fs.
Identifiers: ClinVar variation 3233351 (VCV003233351.2), dbSNP rs2523431817, ClinGen allele CA2586966741.

ClinVar aggregate classification (germline): Pathogenic. Review status: reviewed by expert panel (3 of 4 stars). 2 submissions from 2 submitters: Pathogenic (1). 1 of the submissions does not count toward it. Last evaluated 2024-04-22.

Conditions:
RPE65-related recessive retinopathy. Also called: Recessive RPE65 retinopathy. Identifiers: MedGen CN305526, MONDO:0100368.

Submissions (2):

ClinGen Leber Congenital Amaurosis/early Onset Retinal Dystrophy Variant Curation Expert Panel, ClinGen
Classification: Pathogenic for RPE65-related recessive retinopathy. Last evaluated: 2024-04-22. Review status: reviewed by expert panel. Criteria: ClinGen LCAeoRD ACMG Specifications RPE65 V1.0.0. Collection method: curation. Allele origin: germline. Inheritance: Autosomal recessive inheritance.
Comment: The NM_000329.3(RPE65):c.639dup (p.Ala214SerfsTer20) variant is a frameshift variant that introduces a premature stop codon into exon 6 of 14, and is predicted to lead to nonsense-mediated decay in a gene in which loss-of-function is an established mechanism of disease (PVS1). This variant has been reported in at least 1 proband with early-onset severe retinal dystrophy who was compound heterozygous with the Arg91Trp variant confirmed in trans (1 point, PMIDs: 27422788), which was previously classified pathogenic by the ClinGen LCA / eoRD VCEP (1 total points, PM3). This variant is absent from gnomAD v2.1.1 (PM2_Supporting). In summary, this variant meets the criteria to be classified as Pathogenic for RPE65-related recessive retinopathy based on the ACMG/AMP criteria applied, as specified by the ClinGen LCA/eoRD VCEP: PVS1, PM3, PM2_Supporting (VCEP specifications version 1.0.0; date of approval 09/21/2023).

Myriad Genetics, Inc.
Classification: Pathogenic for RPE65-related recessive retinopathy. Last evaluated: 2024-05-14. Review status: criteria provided, single submitter. Criteria: Myriad Autosomal Dominant, Autosomal Recessive and X-Linked Classification Criteria (2023). Collection method: clinical testing. Allele origin: unknown. Not counted in ClinVar's aggregate classification.
Comment: NM_000329.2(RPE65):c.639dupA(A214Sfs*20) is expected to be pathogenic in the context of inherited retinal dystrophy, RPE65-related. This variant is predicted to lead to an abnormal or absent protein product due to the creation of a premature termination codon in RPE65, a gene where loss-of-function variants are known to be pathogenic. Please note: this variant was assessed in the context of healthy population screening.